The following is an entry in ClinVar:

ClinVar aggregate classification (germline): Uncertain significance (1 of 4 stars; one submission).

Conditions:
Hypertrophic cardiomyopathy. Also called: HYPERTROPHIC MYOCARDIOPATHY. Identifiers: Orphanet 217569, MedGen C0007194, MeSH D002312, MONDO:0005045, HP:0001639.

Allele frequency attached by ClinVar (database versions not stated): gnomAD exomes below 0.00001; TOPMed below 0.00001.
gnomAD v4.1: 4 of 1,510,746 alleles (0.00026%); highest among the groups gnomAD compares: African/African-American, 0.0014%; no homozygotes.

Submission:

Labcorp Genetics (formerly Invitae), Labcorp
Classification: Uncertain significance for Hypertrophic cardiomyopathy. Last evaluated: 2018-08-21. Review status: criteria provided, single submitter. Criteria: Invitae Variant Classification Sherloc (09022015). Collection method: clinical testing. Allele origin: germline.
Comment: This sequence change replaces alanine with serine at codon 105 of the MYBPC3 protein (p.Ala105Ser). The alanine residue is moderately conserved and there is a moderate physicochemical difference between alanine and serine. This variant is not present in population databases (ExAC no frequency). This variant has not been reported in the literature in individuals with MYBPC3-related disease. Algorithms developed to predict the effect of missense changes on protein structure and function output the following: SIFT: "Tolerated"; PolyPhen-2: "Benign"; Align-GVGD: "Class C0". The serine amino acid residue is found in multiple mammalian species, suggesting that this missense change does not adversely affect protein function. These predictions have not been confirmed by published functional studies and their clinical significance is uncertain. In summary, the available evidence is currently insufficient to determine the role of this variant in disease. Therefore, it has been classified as a Variant of Uncertain Significance.

NM_000256.3(MYBPC3):c.313G>T (p.Ala105Ser)

Gene: MYBPC3 (myosin binding protein C3; minus strand). Cytogenetic location: 11p11.2.
Variant type: single nucleotide variant.
Coding change: c.313G>T on transcript NM_000256.3 (MANE Select); coding-DNA position 313, G replaced by T.
Protein change: p.Ala105Ser; replaces alanine 105 with serine.
Molecular consequence: missense variant.
Genome position (GRCh38, 1-based): chr11:47,350,595, C>A on the plus strand (G>T on the coding strand, the complement: MYBPC3 is on the minus strand). VCF-style: chr11-47350595-C-A. GRCh37 (hg19) VCF-style: chr11-47372146-C-A.
Other names: c.313G>T, p.Ala105Ser (LRG_386t1); short protein forms A105S.
Identifiers: ClinVar variation 658895 (VCV000658895.8), dbSNP rs1595850248, ClinGen allele CA380341054.